The following is an entry in ClinVar:

ClinVar aggregate classification (germline): Uncertain significance (1 of 4 stars; one submission).

Conditions:
Inborn genetic diseases. Identifiers: MedGen C0950123, MeSH D030342.

gnomAD v4.1: 3 of 1,614,042 alleles (0.00019%); highest among the groups gnomAD compares: South Asian, 0.0011%; no homozygotes.

Submission:

Ambry Genetics
Classification: Uncertain significance for Inborn genetic diseases. Last evaluated: 2025-04-29. Review status: criteria provided, single submitter. Criteria: Ambry Variant Classification Scheme 2023. Collection method: clinical testing. Allele origin: germline.
Comment: The p.R117W variant (also known as c.349C>T), located in coding exon 3 of the PAX5 gene, results from a C to T substitution at nucleotide position 349. The arginine at codon 117 is replaced by tryptophan, an amino acid with dissimilar properties. This amino acid position is conserved. In addition, this alteration is predicted to be deleterious by in silico analysis. Based on the available evidence, the clinical significance of this variant remains unclear.

NM_016734.3(PAX5):c.349C>T (p.Arg117Trp)

Gene: PAX5 (paired box 5; minus strand). Cytogenetic location: 9p13.2.
Variant type: single nucleotide variant.
Coding change: c.349C>T on transcript NM_016734.3 (MANE Select); coding-DNA position 349, C replaced by T.
Protein change: p.Arg117Trp; replaces arginine 117 with tryptophan.
Molecular consequence: missense variant. On other transcripts: non-coding transcript variant (2), intron variant (1).
Genome position (GRCh38, 1-based): chr9:37,015,058, G>A on the plus strand (C>T on the coding strand, the complement: PAX5 is on the minus strand). VCF-style: chr9-37015058-G-A. GRCh37 (hg19) VCF-style: chr9-37015055-G-A.
Other names: c.349C>T, p.Arg117Trp (NM_001280547.2, NM_001280548.2, NM_001280549.2 and 4 more transcripts); c.25C>T, p.Arg9Trp (NM_001280551.2, NM_001280556.2); c.212+5578C>T (NM_001280555.2); short protein forms R9W, R117W.
Identifiers: ClinVar variation 3928310 (VCV003928310.1).